The following is an entry in ClinVar:

NM_198525.3(KIF7):c.965T>C (p.Met322Thr)

Gene: KIF7 (kinesin family member 7; minus strand). Cytogenetic location: 15q26.1.
Variant type: single nucleotide variant.
Coding change: c.965T>C on transcript NM_198525.3 (MANE Select); coding-DNA position 965, T replaced by C.
Protein change: p.Met322Thr; replaces methionine 322 with threonine.
Molecular consequence: missense variant.
Genome position (GRCh38, 1-based): chr15:89,648,733, A>G on the plus strand (T>C on the coding strand, the complement: KIF7 is on the minus strand). VCF-style: chr15-89648733-A-G. GRCh37 (hg19) VCF-style: chr15-90191964-A-G.
Other names: short protein forms M322T.
Identifiers: ClinVar variation 4887704 (VCV004887704.1).

ClinVar aggregate classification (germline): Uncertain significance (1 of 4 stars; one submission).

Submission:

Women's Health and Genetics/Laboratory Corporation of America, LabCorp
Classification: Uncertain significance. Last evaluated: 2026-06-24. Review status: criteria provided, single submitter. Criteria: LabCorp Variant Classification Summary - May 2015. Collection method: clinical testing. Allele origin: germline.
Comment: Variant summary: KIF7 c.965T>C (p.Met322Thr) results in a non-conservative amino acid change in the encoded protein sequence. Algorithms developed to predict the effect of missense changes on protein structure and function all suggest that this variant is likely to be disruptive. The variant was absent in 135994 control chromosomes. The available data on variant occurrences in the general population are insufficient to allow any conclusion about variant significance. To our knowledge, no occurrence of c.965T>C in individuals affected with KIF7-related conditions and no experimental evidence demonstrating its impact on protein function have been reported. No submitters have cited clinical-significance assessments for this variant to ClinVar. Based on the evidence outlined above, the variant was classified as uncertain significance.